The following is an entry in ClinVar:

NM_032806.6(POMGNT2):c.71G>A (p.Arg24Gln)

Gene: POMGNT2 (protein O-linked mannose N-acetylglucosaminyltransferase 2 (beta 1,4-); minus strand). Cytogenetic location: 3p22.1.
Variant type: single nucleotide variant.
Coding change: c.71G>A on transcript NM_032806.6 (MANE Select); coding-DNA position 71, G replaced by A.
Protein change: p.Arg24Gln; replaces arginine 24 with glutamine.
Molecular consequence: missense variant.
Genome position (GRCh38, 1-based): chr3:43,081,361, C>T on the plus strand (G>A on the coding strand, the complement: POMGNT2 is on the minus strand). VCF-style: chr3-43081361-C-T. GRCh37 (hg19) VCF-style: chr3-43122853-C-T.
Other names: c.71G>A (NM_032806.4); short protein forms R24Q.
Identifiers: ClinVar variation 436370 (VCV000436370.36), dbSNP rs139245562, ClinGen allele CA2340163.

ClinVar aggregate classification (germline): Uncertain significance. Review status: criteria provided, multiple submitters, no conflicts (2 of 4 stars). 8 submissions from 8 submitters: Uncertain significance (8). Last evaluated 2026-08-24.

Conditions:
Muscular dystrophy-dystroglycanopathy (congenital with brain and eye anomalies), type a, 8 (MDDGA8). Also called: WALKER-WARBURG SYNDROME OR MUSCLE-EYE-BRAIN DISEASE, GTDC2-RELATED. Identifiers: Orphanet 899, MedGen C3553813, MONDO:0013904, OMIM 614830.
POMGNT2-related disorder. Also called: POMGNT2-related condition.
Inborn genetic diseases. Identifiers: MedGen C0950123, MeSH D030342.

Allele frequency attached by ClinVar (database versions not stated): ESP Exome Variant Server 0.00015; ExAC 0.00020; gnomAD 0.00026; gnomAD exomes 0.00034 and 0.00042; TOPMed 0.00045.
gnomAD v4.1: 702 of 1,608,896 alleles (0.044%); highest among the groups gnomAD compares: Middle Eastern, 0.12%; no homozygotes.

Submissions (8):

PreventionGenetics, part of Exact Sciences
Classification: Uncertain significance for POMGNT2-related condition. Last evaluated: 2026-08-24. Review status: criteria provided, single submitter. Criteria: ACMG Guidelines, 2015. Collection method: clinical testing. Allele origin: germline.
Comment: The POMGNT2 c.71G>A variant is predicted to result in the amino acid substitution p.Arg24Gln. This variant has been reported in the homozygous state in an acutely ill infant (eTable 2 in Maron et al 2023. PubMed ID: 37432431). This variant is reported in 0.071% of alleles in individuals of Latino descent in gnomAD. At this time, the clinical significance of this variant is uncertain due to the absence of conclusive functional and genetic evidence.

Ambry Genetics
Classification: Uncertain significance for Inborn genetic diseases. Last evaluated: 2025-08-08. Review status: criteria provided, single submitter. Criteria: Ambry Variant Classification Scheme 2023. Collection method: clinical testing. Allele origin: germline.

Labcorp Genetics (formerly Invitae), Labcorp
Classification: Uncertain significance for Muscular dystrophy-dystroglycanopathy (congenital with brain and eye anomalies), type a, 8. Last evaluated: 2025-01-20. Review status: criteria provided, single submitter. Criteria: Invitae Variant Classification Sherloc (09022015). Collection method: clinical testing. Allele origin: germline.
Comment: This sequence change replaces arginine, which is basic and polar, with glutamine, which is neutral and polar, at codon 24 of the POMGNT2 protein (p.Arg24Gln). This variant is present in population databases (rs139245562, gnomAD 0.08%). This missense change has been observed in individual(s) with POMGNT2-related conditions (PMID: 37432431). ClinVar contains an entry for this variant (Variation ID: 436370). Invitae Evidence Modeling of protein sequence and biophysical properties (such as structural, functional, and spatial information, amino acid conservation, physicochemical variation, residue mobility, and thermodynamic stability) indicates that this missense variant is not expected to disrupt POMGNT2 protein function with a negative predictive value of 80%. In summary, the available evidence is currently insufficient to determine the role of this variant in disease. Therefore, it has been classified as a Variant of Uncertain Significance.

CeGaT Center for Human Genetics Tuebingen
Classification: Uncertain significance. Last evaluated: 2025-01-01. Review status: criteria provided, single submitter. Criteria: CeGaT Center For Human Genetics Tuebingen Variant Classification Criteria Version 2. Collection method: clinical testing. Allele origin: germline. Affected: yes. Observed: 1 variant allele.
Comment: POMGNT2: PM2, BP4

Blueprint Genetics
Classification: Uncertain significance. Last evaluated: 2024-10-22. Review status: criteria provided, single submitter. Criteria: ACMG Guidelines, 2015. Collection method: clinical testing. Allele origin: germline.

GeneDx
Classification: Uncertain significance. Last evaluated: 2023-06-26. Review status: criteria provided, single submitter. Criteria: GeneDx Variant Classification Process June 2021. Collection method: clinical testing. Allele origin: germline. Affected: yes.
Comment: In silico analysis supports that this missense variant does not alter protein structure/function; Has not been previously published as pathogenic or benign to our knowledge

Athena Diagnostics
Classification: Uncertain significance. Last evaluated: 2021-11-03. Review status: criteria provided, single submitter. Criteria: Athena Diagnostics Criteria. Collection method: clinical testing. Allele origin: unknown.
Comment: This observation is not an independent occurrence and has been identified in the same individual by RCIGM, the other laboratory participating in the GEMINI study.

Genetic Services Laboratory, University of Chicago
Classification: Uncertain significance. Last evaluated: 2016-07-27. Review status: criteria provided, single submitter. Criteria: ACMG Guidelines, 2015. Collection method: clinical testing. Allele origin: germline. Affected: no.

Literature cited by the submitters: PubMed 37432431 (cited by Labcorp Genetics (formerly Invitae), Labcorp).